The following is an entry in ClinVar:

ClinVar aggregate classification (germline): Uncertain significance (1 of 4 stars; one submission).

Conditions:
PLXNA1-related disorder. Also called: PLXNA1-related condition.

Submission:

PreventionGenetics, part of Exact Sciences
Classification: Uncertain significance for PLXNA1-related condition. Last evaluated: 2025-04-30. Review status: criteria provided, single submitter. Criteria: ACMG Guidelines, 2015. Collection method: clinical testing. Allele origin: germline.
Comment: The PLXNA1 c.644T>C variant is predicted to result in the amino acid substitution p.Met215Thr. To our knowledge, this variant has not been reported in the literature. This variant is reported in 0.0054% of alleles in individuals of East Asian descent in gnomAD. At this time, the clinical significance of this variant is uncertain due to the absence of conclusive functional and genetic evidence.

NM_032242.4(PLXNA1):c.644T>C (p.Met215Thr)

Gene: PLXNA1 (plexin A1; plus strand). Cytogenetic location: 3q21.3.
Variant type: single nucleotide variant.
Coding change: c.644T>C on transcript NM_032242.4 (MANE Select); coding-DNA position 644, T replaced by C.
Protein change: p.Met215Thr; replaces methionine 215 with threonine.
Molecular consequence: missense variant.
Genome position (GRCh38, 1-based): chr3:126,989,237, T>C. VCF-style: chr3-126989237-T-C. GRCh37 (hg19) VCF-style: chr3-126708080-T-C.
Other names: short protein forms M215T.
Identifiers: ClinVar variation 4998299 (VCV004998299.1).
Genomic context (GRCh38, chr3:126,989,237, plus strand): 5'-CCGAGTACTTCCCCACACTGTCCAGCCGTCGGCTCATGGCCAACGAGGAGGATGCCGACA[T>C]GTTCGGCTTCGTGTACCAGGATGAGTTTGTGTCATCACAGCTCAAGATCCCTTCGGACAC-3'
Protein context (NP_115618.3, residues 205-225): RLMANEEDAD[Met215Thr]FGFVYQDEFV